The following is an entry in ClinVar:

ClinVar aggregate classification (germline): Likely benign (1 of 4 stars; one submission).

Conditions:
INPP5B-related disorder. Also called: INPP5B-related condition.

gnomAD v4.1: 317 of 1,612,648 alleles (0.02%); highest among the groups gnomAD compares: African/African-American, 0.38%; no homozygotes.

Submission:

PreventionGenetics, part of Exact Sciences
Classification: Likely benign for INPP5B-related condition. Last evaluated: 2025-10-19. Review status: criteria provided, single submitter. Criteria: ACMG Guidelines, 2015. Collection method: clinical testing. Allele origin: germline.
Comment: This variant is classified as likely benign based on ACMG/AMP sequence variant interpretation guidelines (Richards et al. 2015 PMID: 25741868, with internal and published modifications).

NM_005540.3(INPP5B):c.381G>A (p.Arg127=)

Gene: INPP5B (inositol polyphosphate-5-phosphatase B; minus strand). Cytogenetic location: 1p34.3.
Variant type: single nucleotide variant.
Coding change: c.381G>A on transcript NM_005540.3 (MANE Select); coding-DNA position 381, G replaced by A.
Protein change: p.Arg127=; no amino-acid change (arginine 127 retained).
Molecular consequence: synonymous variant. On other transcripts: 5 prime UTR variant (1), non-coding transcript variant (3).
Genome position (GRCh38, 1-based): chr1:37,940,698, C>T on the plus strand (G>A on the coding strand, the complement: INPP5B is on the minus strand). VCF-style: chr1-37940698-C-T. GRCh37 (hg19) VCF-style: chr1-38406370-C-T.
Other names: c.-346G>A (NM_001350228.1); c.381G>A, p.Arg127= (NM_001365820.1); c.375G>A, p.Arg125= (NM_001365821.1); c.315G>A, p.Arg105= (NM_001365822.1); c.186G>A, p.Arg62= (NM_001365823.1, NM_001365824.1); c.24G>A, p.Arg8= (NM_001365825.1).
Identifiers: ClinVar variation 4984025 (VCV004984025.1).